The following is an entry in ClinVar:

ClinVar aggregate classification (germline): Uncertain significance (1 of 4 stars; one submission).

gnomAD v4.1: 2 of 1,614,116 alleles (0.00012%); highest among the groups gnomAD compares: Non-Finnish European, 0.00017%; no homozygotes.

Submission:

GeneDx
Classification: Uncertain significance. Last evaluated: 2024-07-25. Review status: criteria provided, single submitter. Criteria: GeneDx Variant Classification Process June 2021. Collection method: clinical testing. Allele origin: germline. Affected: yes.
Comment: Not observed at significant frequency in large population cohorts (gnomAD); In silico analysis supports that this missense variant has a deleterious effect on protein structure/function; Has not been previously published as pathogenic or benign to our knowledge

NM_000352.6(ABCC8):c.3677T>A (p.Leu1226His)

Gene: ABCC8 (ATP binding cassette subfamily C member 8; minus strand). Cytogenetic location: 11p15.1.
Variant type: single nucleotide variant.
Coding change: c.3677T>A on transcript NM_000352.6 (MANE Select); coding-DNA position 3677, T replaced by A.
Protein change: p.Leu1226His; replaces leucine 1226 with histidine.
Molecular consequence: missense variant. On other transcripts: non-coding transcript variant (1).
Genome position (GRCh38, 1-based): chr11:17,398,415, A>T on the plus strand (T>A on the coding strand, the complement: ABCC8 is on the minus strand). VCF-style: chr11-17398415-A-T. GRCh37 (hg19) VCF-style: chr11-17419962-A-T.
Other names: c.3680T>A, p.Leu1227His (NM_001287174.3); c.3743T>A, p.Leu1248His (NM_001351295.2); c.3677T>A, p.Leu1226His (NM_001351296.2); c.3674T>A, p.Leu1225His (NM_001351297.2); short protein forms L1225H, L1226H, L1227H, L1248H.
Identifiers: ClinVar variation 3600563 (VCV003600563.1).
Genomic context (GRCh38, chr11:17,398,415, plus strand): 5'-CATCTGTTGGCAGCTGTGAGGAAGAGGGAAGCAATGTTGTTGGAGTCTGTGTATTCGAGA[A>T]GCTTCTGCTGGAACCGGGCCTCATACCTGGAGGGAGGATGAGAAGCTCCTAAGGGAACAG-3'
Protein context (NP_000343.2, residues 1216-1236): FRYEARFQQK[Leu1226His]LEYTDSNNIA